The following is an entry in ClinVar:

ClinVar aggregate classification (germline): Conflicting classifications of pathogenicity. Review status: criteria provided, conflicting classifications (1 of 4 stars). 3 submissions from 3 submitters: Uncertain significance (2); Likely benign (1). Last evaluated 2025-04-03.

Allele frequency attached by ClinVar (database versions not stated): ExAC 0.00001; gnomAD 0.00001.
gnomAD v4.1: 5 of 1,613,574 alleles (0.00031%); highest among the groups gnomAD compares: East Asian, 0.0022%; no homozygotes.

Submissions (3):

Labcorp Genetics (formerly Invitae), Labcorp
Classification: Likely benign. Last evaluated: 2025-04-03. Review status: criteria provided, single submitter. Criteria: Invitae Variant Classification Sherloc (09022015). Collection method: clinical testing. Allele origin: germline.

GeneDx
Classification: Uncertain significance. Last evaluated: 2021-10-08. Review status: criteria provided, single submitter. Criteria: GeneDx Variant Classification Process June 2021. Collection method: clinical testing. Allele origin: germline. Affected: yes.
Comment: Not observed at a significant frequency in large population cohorts (Lek et al., 2016); In silico analysis supports that this missense variant has a deleterious effect on protein structure/function; Occurs in the triple helical domain at the X position in the canonical Gly-X-Y repeat; although this variant may have an effect on normal protein folding and function, missense substitution at the X position is not a common mechanism of disease (Stenson et al., 2014); Has not been previously published as pathogenic or benign to our knowledge

Blueprint Genetics
Classification: Uncertain significance. Last evaluated: 2021-03-18. Review status: criteria provided, single submitter. Criteria: ACMG Guidelines, 2015. Collection method: clinical testing. Allele origin: germline.

NM_001844.5(COL2A1):c.3241C>T (p.Pro1081Ser)

Gene: COL2A1 (collagen type II alpha 1 chain; minus strand). Cytogenetic location: 12q13.11.
Variant type: single nucleotide variant.
Coding change: c.3241C>T on transcript NM_001844.5 (MANE Select); coding-DNA position 3241, C replaced by T.
Protein change: p.Pro1081Ser; replaces proline 1081 with serine.
Molecular consequence: missense variant.
Genome position (GRCh38, 1-based): chr12:47,977,352, G>A on the plus strand (C>T on the coding strand, the complement: COL2A1 is on the minus strand). VCF-style: chr12-47977352-G-A. GRCh37 (hg19) VCF-style: chr12-48371135-G-A.
Other names: c.3034C>T, p.Pro1012Ser (NM_033150.3); short protein forms P1012S, P1081S.
Identifiers: ClinVar variation 1061827 (VCV001061827.11), dbSNP rs753709490, ClinGen allele CA6534830.